The following is an entry in ClinVar:

NM_006516.4(SLC2A1):c.653G>T (p.Arg218Leu)

Gene: SLC2A1 (solute carrier family 2 member 1; minus strand). Cytogenetic location: 1p34.2.
Variant type: single nucleotide variant.
Coding change: c.653G>T on transcript NM_006516.4 (MANE Select); coding-DNA position 653, G replaced by T.
Protein change: p.Arg218Leu; replaces arginine 218 with leucine.
Molecular consequence: missense variant.
Genome position (GRCh38, 1-based): chr1:42,929,899, C>A on the plus strand (G>T on the coding strand, the complement: SLC2A1 is on the minus strand). VCF-style: chr1-42929899-C-A. GRCh37 (hg19) VCF-style: chr1-43395570-C-A.
Other names: short protein forms R218L.
Identifiers: ClinVar variation 2166339 (VCV002166339.4), dbSNP rs374080633, ClinGen allele CA803487.

ClinVar aggregate classification (germline): Uncertain significance (1 of 4 stars; one submission).

Conditions:
GLUT1 deficiency syndrome 1, autosomal recessive. Identifiers: MedGen C3149117.

Allele frequency attached by ClinVar (database versions not stated): ESP Exome Variant Server 0.00008.
gnomAD v4.1: 5 of 1,614,062 alleles (0.00031%); highest among the groups gnomAD compares: Non-Finnish European, 0.00042%; no homozygotes.

Submission:

Labcorp Genetics (formerly Invitae), Labcorp
Classification: Uncertain significance for GLUT1 deficiency syndrome 1, autosomal recessive. Last evaluated: 2022-11-19. Review status: criteria provided, single submitter. Criteria: Invitae Variant Classification Sherloc (09022015). Collection method: clinical testing. Allele origin: germline.
Comment: In summary, the available evidence is currently insufficient to determine the role of this variant in disease. Therefore, it has been classified as a Variant of Uncertain Significance. This variant disrupts the p.Arg218 amino acid residue in SLC2A1. Other variant(s) that disrupt this residue have been determined to be pathogenic (PMID: 16217704, 23340081, 26193382, 31196579). This suggests that this residue is clinically significant, and that variants that disrupt this residue are likely to be disease-causing. Advanced modeling of protein sequence and biophysical properties (such as structural, functional, and spatial information, amino acid conservation, physicochemical variation, residue mobility, and thermodynamic stability) performed at Invitae indicates that this missense variant is not expected to disrupt SLC2A1 protein function. This variant has not been reported in the literature in individuals affected with SLC2A1-related conditions. This variant is present in population databases (rs374080633, gnomAD 0.0009%). This sequence change replaces arginine, which is basic and polar, with leucine, which is neutral and non-polar, at codon 218 of the SLC2A1 protein (p.Arg218Leu).

Literature cited by the submitters: PubMed 16217704; PubMed 23340081; PubMed 26193382; PubMed 31196579.